The following is an entry in ClinVar:

NM_001369369.1(FOXN1):c.82A>G (p.Met28Val)

Gene: FOXN1 (forkhead box N1; plus strand). Cytogenetic location: 17q11.2.
Variant type: single nucleotide variant.
Coding change: c.82A>G on transcript NM_001369369.1 (MANE Select); coding-DNA position 82, A replaced by G.
Protein change: p.Met28Val; replaces methionine 28 with valine.
Molecular consequence: missense variant.
Genome position (GRCh38, 1-based): chr17:28,524,051, A>G. VCF-style: chr17-28524051-A-G. GRCh37 (hg19) VCF-style: chr17-26851069-A-G.
Other names: c.82A>G, p.Met28Val (NM_003593.3); short protein forms M28V.
Identifiers: ClinVar variation 657990 (VCV000657990.6), dbSNP rs1597550071, ClinGen allele CA398320253.

ClinVar aggregate classification (germline): Uncertain significance (1 of 4 stars; one submission).

Conditions:
T-cell immunodeficiency, congenital alopecia, and nail dystrophy. Also called: Congenital alopecia and nail dystrophy associated with severe functional T-cell immunodeficiency; Pignata Guarino syndrome. Identifiers: Orphanet 169095, MedGen C1866426, MONDO:0011132, OMIM 601705.

Submission:

Labcorp Genetics (formerly Invitae), Labcorp
Classification: Uncertain significance for T-cell immunodeficiency, congenital alopecia, and nail dystrophy. Last evaluated: 2018-08-22. Review status: criteria provided, single submitter. Criteria: Invitae Variant Classification Sherloc (09022015). Collection method: clinical testing. Allele origin: germline.
Comment: This variant has not been reported in the literature in individuals with FOXN1-related disease. In summary, the available evidence is currently insufficient to determine the role of this variant in disease. Therefore, it has been classified as a Variant of Uncertain Significance. Algorithms developed to predict the effect of missense changes on protein structure and function are either unavailable or do not agree on the potential impact of this missense change (SIFT: "Tolerated"; PolyPhen-2: "Possibly Damaging"; Align-GVGD: "Class C0"). This variant is not present in population databases (ExAC no frequency). This sequence change replaces methionine with valine at codon 28 of the FOXN1 protein (p.Met28Val). The methionine residue is moderately conserved and there is a small physicochemical difference between methionine and valine.